The following is an entry in ClinVar:

ClinVar aggregate classification (germline): Pathogenic (1 of 4 stars; one submission).

Conditions:
Rubinstein-Taybi syndrome (RSTS). Identifiers: Orphanet 783, MedGen C0035934, MONDO:0019188.

Submission:

Labcorp Genetics (formerly Invitae), Labcorp
Classification: Pathogenic for Rubinstein-Taybi syndrome. Last evaluated: 2025-04-10. Review status: criteria provided, single submitter. Criteria: Invitae Variant Classification Sherloc (09022015). Collection method: clinical testing. Allele origin: germline.
Comment: This sequence change creates a premature translational stop signal (p.Trp1151*) in the CREBBP gene. It is expected to result in an absent or disrupted protein product. Loss-of-function variants in CREBBP are known to be pathogenic (PMID: 17052327, 18792986). This variant is not present in population databases (gnomAD no frequency). This premature translational stop signal has been observed in individual(s) with Rubinstein-Taybi syndrome (PMID: 26788536). For these reasons, this variant has been classified as Pathogenic.

Literature cited by the submitters: PubMed 17052327; PubMed 18792986; PubMed 26788536.

NM_004380.3(CREBBP):c.3453G>A (p.Trp1151Ter)

Gene: CREBBP (CREB binding lysine acetyltransferase; minus strand). Cytogenetic location: 16p13.3.
Variant type: single nucleotide variant.
Coding change: c.3453G>A on transcript NM_004380.3 (MANE Select); coding-DNA position 3453, G replaced by A.
Protein change: p.Trp1151Ter; replaces tryptophan 1151 with a stop codon.
Molecular consequence: nonsense.
Genome position (GRCh38, 1-based): chr16:3,757,965, C>T on the plus strand (G>A on the coding strand, the complement: CREBBP is on the minus strand). VCF-style: chr16-3757965-C-T. GRCh37 (hg19) VCF-style: chr16-3807966-C-T.
Other names: c.3339G>A, p.Trp1113Ter (NM_001079846.1); short protein forms W1151*, W1113*.
Identifiers: ClinVar variation 4717140 (VCV004717140.1).